The following is an entry in ClinVar:

NM_002474.3(MYH11):c.1990C>A (p.Leu664Met)

Gene: MYH11 (myosin heavy chain 11; minus strand). Cytogenetic location: 16p13.11.
Variant type: single nucleotide variant.
Coding change: c.1990C>A on transcript NM_002474.3 (MANE Select); coding-DNA position 1990, C replaced by A.
Protein change: p.Leu664Met; replaces leucine 664 with methionine.
Molecular consequence: missense variant.
Genome position (GRCh38, 1-based): chr16:15,750,206, G>T on the plus strand (C>A on the coding strand, the complement: MYH11 is on the minus strand). VCF-style: chr16-15750206-G-T. GRCh37 (hg19) VCF-style: chr16-15844063-G-T.
Other names: c.2011C>A, p.Leu671Met (NM_001040113.2, NM_001040114.2); c.1990C>A, p.Leu664Met (NM_022844.3); short protein forms L664M, L671M.
Identifiers: ClinVar variation 5025092 (VCV005025092.1).

ClinVar aggregate classification (germline): Uncertain significance (1 of 4 stars; one submission).

Conditions:
Familial thoracic aortic aneurysm and aortic dissection (TAAD). Also called: Thoracic aortic aneurysms and dissections. Identifiers: Orphanet 91387, MedGen C4707243, MONDO:0019625.

Submission:

Ambry Genetics
Classification: Uncertain significance for Familial thoracic aortic aneurysm and aortic dissection. Last evaluated: 2026-08-03. Review status: criteria provided, single submitter. Criteria: Ambry Variant Classification Scheme 2023. Collection method: clinical testing. Allele origin: germline.
Comment: The p.L664M variant (also known as c.1990C>A), located in coding exon 15 of the MYH11 gene, results from a C to A substitution at nucleotide position 1990. The leucine at codon 664 is replaced by methionine, an amino acid with highly similar properties. This amino acid position is conserved. In addition, this alteration is predicted to be deleterious by in silico analysis. Based on the available evidence, the clinical significance of this variant remains unclear.